The following is an entry in ClinVar:

NM_014236.4(GNPAT):c.1998T>A (p.Leu666=)

Gene: GNPAT (glyceronephosphate O-acyltransferase; plus strand). Cytogenetic location: 1q42.2.
Variant type: single nucleotide variant.
Coding change: c.1998T>A on transcript NM_014236.4 (MANE Select); coding-DNA position 1998, T replaced by A.
Protein change: p.Leu666=; no amino-acid change (leucine 666 retained).
Molecular consequence: synonymous variant.
Genome position (GRCh38, 1-based): chr1:231,276,195, T>A. VCF-style: chr1-231276195-T-A. GRCh37 (hg19) VCF-style: chr1-231411941-T-A.
Other names: c.1815T>A, p.Leu605= (NM_001316350.2).
Identifiers: ClinVar variation 1385986 (VCV001385986.5), dbSNP rs745407567, ClinGen allele CA1452184.

ClinVar aggregate classification (germline): Uncertain significance (1 of 4 stars; one submission).

Allele frequency attached by ClinVar (database versions not stated): TOPMed below 0.00001; ExAC 0.00001; gnomAD exomes 0.00001; gnomAD 0.00001.
gnomAD v4.1: 8 of 1,408,504 alleles (0.00057%); highest among the groups gnomAD compares: Non-Finnish European, 0.0008%; no homozygotes.

Submission:

Labcorp Genetics (formerly Invitae), Labcorp
Classification: Uncertain significance. Last evaluated: 2021-09-24. Review status: criteria provided, single submitter. Criteria: Invitae Variant Classification Sherloc (09022015). Collection method: clinical testing. Allele origin: germline.
Comment: This sequence change affects codon 666 of the GNPAT mRNA. It is a 'silent' change, meaning that it does not change the encoded amino acid sequence of the GNPAT protein. This variant is present in population databases (rs745407567, ExAC 0.002%). This variant has not been reported in the literature in individuals with GNPAT-related conditions. Algorithms developed to predict the effect of sequence changes on RNA splicing suggest that this variant is not likely to affect RNA splicing, but this prediction has not been confirmed by published transcriptional studies. In summary, the available evidence is currently insufficient to determine the role of this variant in disease. Therefore, it has been classified as a Variant of Uncertain Significance.